The following is an entry in ClinVar:

NM_016356.5(DCDC2):c.383C>G (p.Ser128Ter)

Gene: DCDC2 (doublecortin domain containing 2; minus strand). Cytogenetic location: 6p22.3.
Variant type: single nucleotide variant.
Coding change: c.383C>G on transcript NM_016356.5 (MANE Select); coding-DNA position 383, C replaced by G.
Protein change: p.Ser128Ter; replaces serine 128 with a stop codon.
Molecular consequence: nonsense.
Genome position (GRCh38, 1-based): chr6:24,302,010, G>C on the plus strand (C>G on the coding strand, the complement: DCDC2 is on the minus strand). VCF-style: chr6-24302010-G-C. GRCh37 (hg19) VCF-style: chr6-24302238-G-C.
Other names: DCDC2, SER128TER (rs904520404); c.383C>G, p.Ser128Ter (NM_001195610.2); c.383C>G (NM_016356.4); short protein forms S128*.
Identifiers: ClinVar variation 501347 (VCV000501347.21), dbSNP rs904520404, ClinGen allele CA136637337.

ClinVar aggregate classification (germline): Pathogenic/Likely pathogenic. Review status: criteria provided, multiple submitters, no conflicts (2 of 4 stars). 7 submissions from 7 submitters: Pathogenic (5); Likely pathogenic (1). 1 of the submissions does not count toward it. Last evaluated 2025-07-17.

Conditions:
Nephronophthisis 19 (NPHP19). Identifiers: Orphanet 84081, MedGen C4015542, MONDO:0014537, OMIM 616217.
Isolated neonatal sclerosing cholangitis (NSC). Also called: Sclerosing cholangitis, neonatal. Identifiers: Orphanet 480556, MedGen C4479344, MONDO:0018816, OMIM 617394.
Autosomal recessive nonsyndromic hearing loss 66 (DFNB66). Also called: Deafness, autosomal recessive 66. Identifiers: Orphanet 90636, MedGen C1857750, MONDO:0012442, OMIM 610212.
DCDC2-related disorder. Also called: DCDC2-related condition.

Allele frequency attached by ClinVar (database versions not stated): TOPMed 0.00004.
gnomAD v4.1: 5 of 1,613,912 alleles (0.00031%); highest among the groups gnomAD compares: African/African-American, 0.004%; no homozygotes.

Submissions (7):

PreventionGenetics, part of Exact Sciences
Classification: Pathogenic for DCDC2-related condition. Last evaluated: 2025-07-17. Review status: criteria provided, single submitter. Criteria: ACMG Guidelines, 2015. Collection method: clinical testing. Allele origin: germline.
Comment: The DCDC2 c.383C>G variant is predicted to result in premature protein termination (p.Ser128*). This variant was reported in the homozygous state in individuals with nephronophthisis-related ciliopathy (Slater et al. 2020. PubMed ID: 31821705; Bekheirnia et al. 2020. PubMed ID: 35368817). This variant is reported in 0.0062% of alleles in individuals of African descent in gnomAD. Nonsense variants in DCDC2 are expected to be pathogenic. This variant is interpreted as pathogenic.

Labcorp Genetics (formerly Invitae), Labcorp
Classification: Pathogenic for Autosomal recessive nonsyndromic hearing loss 66; Isolated neonatal sclerosing cholangitis. Last evaluated: 2025-07-16. Review status: criteria provided, single submitter. Criteria: Invitae Variant Classification Sherloc (09022015). Collection method: clinical testing. Allele origin: germline.
Comment: This sequence change creates a premature translational stop signal (p.Ser128*) in the DCDC2 gene. It is expected to result in an absent or disrupted protein product. Loss-of-function variants in DCDC2 are known to be pathogenic (PMID: 25557784, 27319779, 27469900). This variant is not present in population databases (gnomAD no frequency). This premature translational stop signal has been observed in individual(s) with clinical features of DCDC2 related conditions (PMID: 31821705, 36147510). ClinVar contains an entry for this variant (Variation ID: 501347). For these reasons, this variant has been classified as Pathogenic.

Fulgent Genetics
Classification: Pathogenic for Autosomal recessive nonsyndromic hearing loss 66; Nephronophthisis 19; Isolated neonatal sclerosing cholangitis. Last evaluated: 2024-01-05. Review status: criteria provided, single submitter. Criteria: ACMG Guidelines, 2015. Collection method: clinical testing. Allele origin: germline.

Laboratorio de Genetica e Diagnostico Molecular, Hospital Israelita Albert Einstein
Classification: Pathogenic for Nephronophthisis 19. Last evaluated: 2021-09-09. Review status: criteria provided, single submitter. Criteria: ACMG Guidelines, 2015. Collection method: clinical testing. Allele origin: germline. Affected: yes.
Comment: ACMG classification criteria: PVS1 very strong, PS4 supporting, PM2 moderate, PM3 moderate

Revvity Omics, Revvity
Classification: Likely pathogenic. Last evaluated: 2019-05-22. Review status: criteria provided, single submitter. Criteria: ACMG Guidelines, 2015. Collection method: clinical testing. Allele origin: germline.

Eurofins Ntd Llc (ga)
Classification: Pathogenic. Last evaluated: 2017-04-11. Review status: criteria provided, single submitter. Criteria: EGL Classification Definitions 2015. Collection method: clinical testing. Allele origin: germline. Observed: 1 variant allele, 1 heterozygote.

OMIM
Classification: Pathogenic for NEPHRONOPHTHISIS 19. Last evaluated: 2022-04-13. Review status: no assertion criteria provided. Collection method: literature only. Allele origin: germline. Not counted in ClinVar's aggregate classification.

Literature cited by the submitters: PubMed 25557784 (cited by Labcorp Genetics (formerly Invitae), Labcorp); PubMed 27319779 (cited by Labcorp Genetics (formerly Invitae), Labcorp); PubMed 27469900 (cited by Labcorp Genetics (formerly Invitae), Labcorp); PubMed 31821705 (cited by Labcorp Genetics (formerly Invitae), Labcorp and OMIM); PubMed 36147510 (cited by Labcorp Genetics (formerly Invitae), Labcorp).